The following is an entry in ClinVar:

NM_000081.4(LYST):c.1995A>G (p.Ser665=)

Gene: LYST (lysosomal trafficking regulator; minus strand). Cytogenetic location: 1q42.3.
Variant type: single nucleotide variant.
Coding change: c.1995A>G on transcript NM_000081.4 (MANE Select); coding-DNA position 1995, A replaced by G.
Protein change: p.Ser665=; no amino-acid change (serine 665 retained).
Molecular consequence: synonymous variant.
Genome position (GRCh38, 1-based): chr1:235,808,823, T>C on the plus strand (A>G on the coding strand, the complement: LYST is on the minus strand). VCF-style: chr1-235808823-T-C. GRCh37 (hg19) VCF-style: chr1-235972123-T-C.
Other names: p.Ser665=; c.1995A>G, p.Ser665= (NM_001301365.1).
Identifiers: ClinVar variation 1670482 (VCV001670482.35), dbSNP rs373127205, ClinGen allele CA1467367.
Genomic context (GRCh38, chr1:235,808,823, plus strand): 5'-ATCTTCAGATCCACTGCTGGGCAGGATCCCTTGAAATCTGTAAGAAGGACTGGATAAACT[T>C]GAGGAGAGTTCAGCATCACATAAGTTTCCCTGCAGTGTCTCTTCTAATTGGGCTAGTTGG-3'
Protein context (NP_000072.2, residues 655-675): QGNLCDAELS[Ser665=]SLSSPSYRFQ

ClinVar aggregate classification (germline): Likely benign. Review status: criteria provided, multiple submitters, no conflicts (2 of 4 stars). 4 submissions from 4 submitters: Likely benign (4). Last evaluated 2025-03-31.

Conditions:
Chédiak-Higashi syndrome (CHS). Also called: Chediak-Higashi Syndrome. Identifiers: Orphanet 167, MedGen C0007965, MONDO:0008963, OMIM 214500.

Allele frequency attached by ClinVar (database versions not stated): ExAC 0.00001; gnomAD 0.00002; TOPMed 0.00002; gnomAD exomes 0.00005; ESP Exome Variant Server 0.00008.
gnomAD v4.1: 80 of 1,613,896 alleles (0.005%); highest among the groups gnomAD compares: Non-Finnish European, 0.0065%; no homozygotes.

Submissions (4):

Mayo Clinic Laboratories, Mayo Clinic
Classification: Likely benign. Last evaluated: 2025-03-31. Review status: criteria provided, single submitter. Criteria: ACMG Guidelines, 2015. Collection method: clinical testing. Allele origin: germline. Observed: 1 variant allele.
Comment: BP4, BP7

Labcorp Genetics (formerly Invitae), Labcorp
Classification: Likely benign for Chédiak-Higashi syndrome. Last evaluated: 2025-02-16. Review status: criteria provided, single submitter. Criteria: Invitae Variant Classification Sherloc (09022015). Collection method: clinical testing. Allele origin: germline.

Women's Health and Genetics/Laboratory Corporation of America, LabCorp
Classification: Likely benign. Last evaluated: 2024-09-24. Review status: criteria provided, single submitter. Criteria: LabCorp Variant Classification Summary - May 2015. Collection method: clinical testing. Allele origin: germline.

CeGaT Center for Human Genetics Tuebingen
Classification: Likely benign. Last evaluated: 2023-07-01. Review status: criteria provided, single submitter. Criteria: CeGaT Center For Human Genetics Tuebingen Variant Classification Criteria Version 2. Collection method: clinical testing. Allele origin: germline. Affected: yes. Observed: 1 variant allele.
Comment: LYST: BP4, BP7